The following is an entry in ClinVar:

NM_006915.3(RP2):c.271A>T (p.Ile91Phe)

Gene: RP2 (RP2 activator of ARL3 GTPase; plus strand). Cytogenetic location: Xp11.3.
Variant type: single nucleotide variant.
Coding change: c.271A>T on transcript NM_006915.3 (MANE Select); coding-DNA position 271, A replaced by T.
Protein change: p.Ile91Phe; replaces isoleucine 91 with phenylalanine.
Molecular consequence: missense variant.
Genome position (GRCh38, 1-based): chrX:46,853,644, A>T. VCF-style: chrX-46853644-A-T. GRCh37 (hg19) VCF-style: chrX-46713079-A-T.
Other names: short protein forms I91F.
Identifiers: ClinVar variation 1306495 (VCV001306495.4), dbSNP rs782395519, ClinGen allele CA10394200.
Genomic context (GRCh38, chrX:46,853,644, plus strand): 5'-AACATCTATATTTTTGATCACTCTGCTACAGTTACCATTGATGACTGTACTAACTGCATA[A>T]TTTTTCTGGGACCCGTGAAAGGCAGCGTGTTTTTCCGGAATTGCAGAGATTGCAAGTGCA-3'
Protein context (NP_008846.2, residues 81-101): VTIDDCTNCI[Ile91Phe]FLGPVKGSVF

ClinVar aggregate classification (germline): Uncertain significance. Review status: criteria provided, multiple submitters, no conflicts (2 of 4 stars). 3 submissions from 3 submitters: Uncertain significance (3). Last evaluated 2021-12-22.

Allele frequency attached by ClinVar (database versions not stated): TOPMed below 0.00001; ExAC 0.00001; gnomAD 0.00001; gnomAD exomes 0.00001 and 0.00003.
gnomAD v4.1: 34 of 1,209,712 alleles (0.0028%); highest among the groups gnomAD compares: Non-Finnish European, 0.0037%; no homozygotes.

Submissions (3):

Labcorp Genetics (formerly Invitae), Labcorp
Classification: Uncertain significance. Last evaluated: 2021-12-22. Review status: criteria provided, single submitter. Criteria: Invitae Variant Classification Sherloc (09022015). Collection method: clinical testing. Allele origin: germline.
Comment: This sequence change replaces isoleucine, which is neutral and non-polar, with phenylalanine, which is neutral and non-polar, at codon 91 of the RP2 protein (p.Ile91Phe). This variant is not present in population databases (gnomAD no frequency). This variant has not been reported in the literature in individuals affected with RP2-related conditions. ClinVar contains an entry for this variant (Variation ID: 1306495). Algorithms developed to predict the effect of missense changes on protein structure and function output the following: SIFT: "Deleterious"; PolyPhen-2: "Benign"; Align-GVGD: "Class C15". The phenylalanine amino acid residue is found in multiple mammalian species, which suggests that this missense change does not adversely affect protein function. In summary, the available evidence is currently insufficient to determine the role of this variant in disease. Therefore, it has been classified as a Variant of Uncertain Significance.

GeneDx
Classification: Uncertain significance. Last evaluated: 2019-06-19. Review status: criteria provided, single submitter. Criteria: GeneDx Variant Classification Process June 2021. Collection method: clinical testing. Allele origin: germline. Affected: yes.
Comment: Not observed in large population cohorts (Lek et al., 2016); Has not been previously published as pathogenic or benign to our knowledge; In silico analysis, which includes protein predictors and evolutionary conservation, supports that this variant does not alter protein structure/function

Blueprint Genetics
Classification: Uncertain significance. Last evaluated: 2019-01-23. Review status: criteria provided, single submitter. Criteria: ACMG Guidelines, 2015. Collection method: clinical testing. Allele origin: germline.